The following is an entry in ClinVar:

NM_001267550.2(TTN):c.104761C>G (p.Gln34921Glu)

Genes: TTN (titin; minus strand), TTN-AS1 (TTN antisense RNA 1; plus strand). Cytogenetic location: 2q31.2.
Variant type: single nucleotide variant.
Coding change: c.104761C>G on transcript NM_001267550.2 (MANE Select); coding-DNA position 104761, C replaced by G.
Protein change: p.Gln34921Glu; replaces glutamine 34921 with glutamic acid.
Molecular consequence: missense variant.
Genome position (GRCh38, 1-based): chr2:178,531,854, G>C on the plus strand (C>G on the coding strand, the complement: TTN is on the minus strand). VCF-style: chr2-178531854-G-C. GRCh37 (hg19) VCF-style: chr2-179396581-G-C.
Other names: c.99838C>G, p.Gln33280Glu (NM_001256850.1); c.77566C>G, p.Gln25856Glu (NM_003319.4); c.97057C>G, p.Gln32353Glu (NM_133378.4); c.77941C>G, p.Gln25981Glu (NM_133432.3); c.78142C>G, p.Gln26048Glu (NM_133437.4); short protein forms Q25856E, Q25981E, Q32353E, Q33280E, Q34921E, Q26048E.
Identifiers: ClinVar variation 953501 (VCV000953501.1), dbSNP rs369190893, ClinGen allele CA1985365.

ClinVar aggregate classification (germline): Uncertain significance (1 of 4 stars; one submission).

Conditions:
Dilated cardiomyopathy 1G (CMD1G). Identifiers: Orphanet 154, MedGen C1858763, MONDO:0011400, OMIM 604145.
Autosomal recessive limb-girdle muscular dystrophy type 2J (LGMDR10). Also called: Limb-girdle muscular dystrophy, type 2J; MUSCULAR DYSTROPHY, LIMB-GIRDLE, AUTOSOMAL RECESSIVE 10. Identifiers: Orphanet 140922, MedGen C1837342, MONDO:0012127, OMIM 608807.

Allele frequency attached by ClinVar (database versions not stated): TOPMed below 0.00001; ExAC 0.00001; gnomAD 0.00001; ESP Exome Variant Server 0.00008.
gnomAD v4.1: 7 of 1,613,616 alleles (0.00043%); highest among the groups gnomAD compares: Middle Eastern, 0.099%; no homozygotes.

Submission:

Labcorp Genetics (formerly Invitae), Labcorp
Classification: Uncertain significance for Dilated cardiomyopathy 1G; Limb-girdle muscular dystrophy, type 2J. Last evaluated: 2019-10-18. Review status: criteria provided, single submitter. Criteria: Invitae Variant Classification Sherloc (09022015). Collection method: clinical testing. Allele origin: germline.
Comment: This sequence change replaces glutamine with glutamic acid at codon 34921 of the TTN protein (p.Gln34921Glu). There is a small physicochemical difference between glutamine and glutamic acid. This variant is present in population databases (rs369190893, ExAC 0.002%). This variant has not been reported in the literature in individuals with TTN-related conditions. This variant is located in the M band of TTN (PMID: 25589632). Variants in this region may be relevant for neuromuscular disorders, but have not been definitively shown to cause cardiomyopathy (PMID: 23975875). Algorithms developed to predict the effect of missense changes on protein structure and function are unavailable for the TTN gene. In summary, the available evidence is currently insufficient to determine the role of this variant in disease. Therefore, it has been classified as a Variant of Uncertain Significance.

Literature cited by the submitters: PubMed 23975875; PubMed 25589632.